The following is an entry in ClinVar:

ClinVar aggregate classification (germline): Uncertain significance. Review status: criteria provided, multiple submitters, no conflicts (2 of 4 stars). 2 submissions from 2 submitters: Uncertain significance (2). Last evaluated 2023-06-05.

Conditions:
LAMA2-related muscular dystrophy (LAMA2-RD). Also called: Laminin alpha 2-related dystrophy. Identifiers: MedGen C5679788, MONDO:0100228.

Submissions (2):

Blueprint Genetics
Classification: Uncertain significance. Last evaluated: 2023-06-05. Review status: criteria provided, single submitter. Criteria: ACMG Guidelines, 2015. Collection method: clinical testing. Allele origin: germline.

Labcorp Genetics (formerly Invitae), Labcorp
Classification: Uncertain significance for LAMA2-related muscular dystrophy. Last evaluated: 2022-07-18. Review status: criteria provided, single submitter. Criteria: Invitae Variant Classification Sherloc (09022015). Collection method: clinical testing. Allele origin: germline.
Comment: In summary, the available evidence is currently insufficient to determine the role of this variant in disease. Therefore, it has been classified as a Variant of Uncertain Significance. Algorithms developed to predict the effect of missense changes on protein structure and function are either unavailable or do not agree on the potential impact of this missense change (SIFT: "Deleterious"; PolyPhen-2: "Probably Damaging"; Align-GVGD: "Class C0"). ClinVar contains an entry for this variant (Variation ID: 1502555). This variant has not been reported in the literature in individuals affected with LAMA2-related conditions. This variant is not present in population databases (gnomAD no frequency). This sequence change replaces aspartic acid, which is acidic and polar, with histidine, which is basic and polar, at codon 2620 of the LAMA2 protein (p.Asp2620His).

NM_000426.4(LAMA2):c.7858G>C (p.Asp2620His)

Gene: LAMA2 (laminin subunit alpha 2; plus strand). Cytogenetic location: 6q22.33.
Variant type: single nucleotide variant.
Coding change: c.7858G>C on transcript NM_000426.4 (MANE Select); coding-DNA position 7858, G replaced by C.
Protein change: p.Asp2620His; replaces aspartic acid 2620 with histidine.
Molecular consequence: missense variant.
Genome position (GRCh38, 1-based): chr6:129,486,582, G>C. VCF-style: chr6-129486582-G-C. GRCh37 (hg19) VCF-style: chr6-129807727-G-C.
Other names: c.7846G>C, p.Asp2616His (NM_001079823.2); short protein forms D2616H, D2620H.
Identifiers: ClinVar variation 1502555 (VCV001502555.9), dbSNP rs2114849109, ClinGen allele CA365629372.